The following is an entry in ClinVar:

NM_001206927.2(DNAH8):c.11531A>T (p.Asp3844Val)

Genes: DNAH8 (dynein axonemal heavy chain 8; plus strand), DNAH8-AS1 (DNAH8 antisense RNA 1; minus strand). Cytogenetic location: 6p21.2.
Variant type: single nucleotide variant.
Coding change: c.11531A>T on transcript NM_001206927.2 (MANE Select); coding-DNA position 11531, A replaced by T.
Protein change: p.Asp3844Val; replaces aspartic acid 3844 with valine.
Molecular consequence: missense variant.
Genome position (GRCh38, 1-based): chr6:38,935,665, A>T. VCF-style: chr6-38935665-A-T. GRCh37 (hg19) VCF-style: chr6-38903441-A-T.
Other names: c.10880A>T, p.Asp3627Val (NM_001371.4); short protein forms D3844V, D3627V.
Identifiers: ClinVar variation 407279 (VCV000407279.9), dbSNP rs760781678, ClinGen allele CA3791085.
Genomic context (GRCh38, chr6:38,935,665, plus strand): 5'-AGAGGGTTAAACTTTTGGAGGATGTTACTTTTAATAAGCGGAAGATGAAAGAACTTGAAG[A>T]TAACCTCCTCTATAAATTAAGTGCTACAAAAGGTATTGTGTTATTAAGAAGTAATGAAAT-3'
Protein context (NP_001193856.1, residues 3834-3854): FNKRKMKELE[Asp3844Val]NLLYKLSATK

ClinVar aggregate classification (germline): Uncertain significance (1 of 4 stars; one submission).

Conditions:
Primary ciliary dyskinesia. Also called: Ciliary dyskinesia. Identifiers: Orphanet 244, MedGen C0008780, MONDO:0016575, HP:0012265.

Allele frequency attached by ClinVar (database versions not stated): ExAC 0.00002; gnomAD exomes 0.00002.
gnomAD v4.1: 5 of 1,612,936 alleles (0.00031%); highest among the groups gnomAD compares: East Asian, 0.011%; no homozygotes.

Submission:

Labcorp Genetics (formerly Invitae), Labcorp
Classification: Uncertain significance for Primary ciliary dyskinesia. Last evaluated: 2016-09-26. Review status: criteria provided, single submitter. Criteria: Invitae Variant Classification Sherloc (09022015). Collection method: clinical testing. Allele origin: germline.
Comment: In summary, this variant is a rare missense change with uncertain impact on protein function. There is no indication that it causes disease, but the available evidence is currently insufficient to prove that conclusively. Therefore, it has been classified as a Variant of Uncertain Significance. Algorithms developed to predict the effect of missense changes on protein structure and function do not agree on the potential impact of this missense change (SIFT: "Deleterious"; PolyPhen-2: "Probably damaging"; Align-GVGD: "Class C0"). This variant is present in population databases (rs760781678, ExAC 0.02%) but has not been reported in the literature in individuals with a DNAH8-related disease. This sequence change replaces aspartic acid with valine at codon 3844 of the DNAH8 protein (Asp3844Val). The aspartic acid residue is highly conserved and there is a large physicochemical difference between aspartic acid and valine.